The following is an entry in ClinVar:

ClinVar aggregate classification (germline): Conflicting classifications of pathogenicity. Review status: criteria provided, conflicting classifications (1 of 4 stars). 2 submissions from 2 submitters: Likely pathogenic (1); Uncertain significance (1). Last evaluated 2026-01-06.

gnomAD v4.1: 1 of 1,613,840 alleles (0.000062%); highest among the groups gnomAD compares: Non-Finnish European, 0.000085%; no homozygotes.

Submissions (2):

Dasa
Classification: Uncertain significance. Last evaluated: 2026-01-06. Review status: criteria provided, single submitter. Criteria: DASA Assertion Criteria. Collection method: clinical testing. Allele origin: germline.
Comment: NM_022455.5(NSD1):c.7523G>A (p.Cys2508Tyr) is a missense variant that results in the substitution of cysteine with tyrosine. This variant is rare in population databases. The currently available literature and clinical evidence are not sufficient to establish a definitive association between this variant and the reported condition. Therefore, this variant is classified as a variant of uncertain significance.

AiLife Diagnostics
Classification: Likely pathogenic. Last evaluated: 2021-08-03. Review status: criteria provided, single submitter. Criteria: ACMG Guidelines, 2015. Collection method: clinical testing. Allele origin: de novo. Affected: yes. Observed: 1 variant allele.

NM_022455.5(NSD1):c.7523G>A (p.Cys2508Tyr)

Gene: NSD1 (nuclear receptor binding SET domain protein 1; plus strand). Cytogenetic location: 5q35.3.
Variant type: single nucleotide variant.
Coding change: c.7523G>A on transcript NM_022455.5 (MANE Select); coding-DNA position 7523, G replaced by A.
Protein change: p.Cys2508Tyr; replaces cysteine 2508 with tyrosine.
Molecular consequence: missense variant.
Genome position (GRCh38, 1-based): chr5:177,294,891, G>A. VCF-style: chr5-177294891-G-A. GRCh37 (hg19) VCF-style: chr5-176721892-G-A.
Other names: c.6650G>A, p.Cys2217Tyr (NM_001365684.2, NM_001409308.1, NM_172349.5); c.7523G>A, p.Cys2508Tyr (NM_001409301.1, NM_001409302.1, NM_001409303.1); c.7103G>A, p.Cys2368Tyr (NM_001409304.1); c.6770G>A, p.Cys2257Tyr (NM_001409305.1); c.6761G>A, p.Cys2254Tyr (NM_001409306.1, NM_001409307.1); c.6401G>A, p.Cys2134Tyr (NM_001409309.1); short protein forms C2239Y, C2508Y, C2134Y, C2257Y, C2217Y, C2254Y, C2368Y.
Identifiers: ClinVar variation 1678052 (VCV001678052.3), dbSNP rs11542768, ClinGen allele CA132863161.